The following is an entry in ClinVar:

NM_001368397.1(FRMPD4):c.274G>A (p.Val92Met)

Gene: FRMPD4 (FERM and PDZ domain containing 4; plus strand). Cytogenetic location: Xp22.2.
Variant type: single nucleotide variant.
Coding change: c.274G>A on transcript NM_001368397.1 (MANE Select); coding-DNA position 274, G replaced by A.
Protein change: p.Val92Met; replaces valine 92 with methionine.
Molecular consequence: missense variant.
Genome position (GRCh38, 1-based): chrX:12,609,836, G>A. VCF-style: chrX-12609836-G-A. GRCh37 (hg19) VCF-style: chrX-12627955-G-A.
Other names: c.250G>A, p.Val84Met (NM_001368401.1, NM_001368402.3); c.274G>A, p.Val92Met (NM_014728.3, NM_001368396.3); c.385G>A, p.Val129Met (NM_001368395.3, NM_001368398.3); c.265G>A, p.Val89Met (NM_001368399.3); c.154G>A, p.Val52Met (NM_001368400.3); short protein forms V84M, V129M, V52M, V89M, V92M.
Identifiers: ClinVar variation 4055918 (VCV004055918.1).

ClinVar aggregate classification (germline): Uncertain significance (1 of 4 stars; one submission).

gnomAD v4.1: 1 of 1,209,488 alleles (0.000083%); highest among the groups gnomAD compares: African/African-American, 0.0018%; no homozygotes.

Submission:

GeneDx
Classification: Uncertain significance. Last evaluated: 2024-12-27. Review status: criteria provided, single submitter. Criteria: GeneDx Variant Classification Process June 2021. Collection method: clinical testing. Allele origin: germline. Affected: yes.
Comment: Not observed at significant frequency in large population cohorts (gnomAD); In silico analysis indicates that this missense variant does not alter protein structure/function; Has not been previously published as pathogenic or benign to our knowledge